The following is an entry in ClinVar:

NM_000026.4(ADSL):c.913T>G (p.Cys305Gly)

Gene: ADSL (adenylosuccinate lyase; plus strand). Cytogenetic location: 22q13.1.
Variant type: single nucleotide variant.
Coding change: c.913T>G on transcript NM_000026.4 (MANE Select); coding-DNA position 913, T replaced by G.
Protein change: p.Cys305Gly; replaces cysteine 305 with glycine.
Molecular consequence: missense variant. On other transcripts: non-coding transcript variant (1).
Genome position (GRCh38, 1-based): chr22:40,361,538, T>G. VCF-style: chr22-40361538-T-G. GRCh37 (hg19) VCF-style: chr22-40757542-T-G.
Other names: c.913T>G, p.Cys305Gly (NM_001123378.3, NM_001363840.3); c.721T>G, p.Cys241Gly (NM_001317923.2); short protein forms C241G, C305G.
Identifiers: ClinVar variation 1413019 (VCV001413019.25), dbSNP rs2146663371, ClinGen allele CA411644039.
Genomic context (GRCh38, chr22:40,361,538, plus strand): 5'-ACATGGGCAGGCTCAAGTGCGATGCCATATAAGCGGAATCCCATGCGTTCAGAACGTTGC[T>G]GCAGTCTTGCCCGCCACCTGATGACCCTTGTCATGGACCCGCTACAGACAGCATCTGTCC-3'
Protein context (NP_000017.1, residues 295-315): KRNPMRSERC[Cys305Gly]SLARHLMTLV

ClinVar aggregate classification (germline): Uncertain significance. Review status: criteria provided, multiple submitters, no conflicts (2 of 4 stars). 2 submissions from 2 submitters: Uncertain significance (2). Last evaluated 2024-10-22.

Conditions:
Adenylosuccinate lyase deficiency (ADSLD). Also called: ADSL DEFICIENCY. Identifiers: Orphanet 46, MedGen C0268126, MONDO:0007068, OMIM 103050.

Allele frequency attached by ClinVar (database versions not stated): gnomAD exomes below 0.00001.
gnomAD v4.1: 1 of 1,614,238 alleles (0.000062%); highest among the groups gnomAD compares: Non-Finnish European, 0.000085%; no homozygotes.

Submissions (2):

Labcorp Genetics (formerly Invitae), Labcorp
Classification: Uncertain significance for Adenylosuccinate lyase deficiency. Last evaluated: 2024-10-22. Review status: criteria provided, single submitter. Criteria: Invitae Variant Classification Sherloc (09022015). Collection method: clinical testing. Allele origin: germline.
Comment: This sequence change replaces cysteine, which is neutral and slightly polar, with glycine, which is neutral and non-polar, at codon 305 of the ADSL protein (p.Cys305Gly). This variant is not present in population databases (gnomAD no frequency). This variant has not been reported in the literature in individuals affected with ADSL-related conditions. ClinVar contains an entry for this variant (Variation ID: 1413019). Invitae Evidence Modeling of protein sequence and biophysical properties (such as structural, functional, and spatial information, amino acid conservation, physicochemical variation, residue mobility, and thermodynamic stability) indicates that this missense variant is not expected to disrupt ADSL protein function with a negative predictive value of 80%. In summary, the available evidence is currently insufficient to determine the role of this variant in disease. Therefore, it has been classified as a Variant of Uncertain Significance.

CeGaT Center for Human Genetics Tuebingen
Classification: Uncertain significance. Last evaluated: 2024-07-01. Review status: criteria provided, single submitter. Criteria: CeGaT Center For Human Genetics Tuebingen Variant Classification Criteria Version 2. Collection method: clinical testing. Allele origin: germline. Affected: yes. Observed: 1 variant allele.
Comment: ADSL: PM2